The following is an entry in ClinVar:

NM_001190.4(BCAT2):c.142A>C (p.Lys48Gln)

Gene: BCAT2 (branched chain amino acid transaminase 2; minus strand). Cytogenetic location: 19q13.33.
Variant type: single nucleotide variant.
Coding change: c.142A>C on transcript NM_001190.4 (MANE Select); coding-DNA position 142, A replaced by C.
Protein change: p.Lys48Gln; replaces lysine 48 with glutamine.
Molecular consequence: missense variant. On other transcripts: intron variant (1).
Genome position (GRCh38, 1-based): chr19:48,806,675, T>G on the plus strand (A>C on the coding strand, the complement: BCAT2 is on the minus strand). VCF-style: chr19-48806675-T-G. GRCh37 (hg19) VCF-style: chr19-49309932-T-G.
Other names: c.22A>C, p.Lys8Gln (NM_001284325.2); c.24+4309A>C (NM_001164773.2); short protein forms K48Q, K8Q.
Identifiers: ClinVar variation 2021096 (VCV002021096.4), dbSNP rs2514101194, ClinGen allele CA406727723.

ClinVar aggregate classification (germline): Uncertain significance (1 of 4 stars; one submission).

Submission:

Labcorp Genetics (formerly Invitae), Labcorp
Classification: Uncertain significance. Last evaluated: 2023-07-17. Review status: criteria provided, single submitter. Criteria: Invitae Variant Classification Sherloc (09022015). Collection method: clinical testing. Allele origin: germline.
Comment: This variant is not present in population databases (gnomAD no frequency). This sequence change replaces lysine, which is basic and polar, with glutamine, which is neutral and polar, at codon 48 of the BCAT2 protein (p.Lys48Gln). This variant has not been reported in the literature in individuals affected with BCAT2-related conditions. In summary, the available evidence is currently insufficient to determine the role of this variant in disease. Therefore, it has been classified as a Variant of Uncertain Significance. An algorithm developed to predict the effect of missense changes on protein structure and function (PolyPhen-2) suggests that this variant is likely to be disruptive. ClinVar contains an entry for this variant (Variation ID: 2021096).